The following continues an entry in ClinVar:

NM_000059.4(BRCA2):c.4478_4481del (p.Glu1493fs)

Gene: BRCA2. ClinVar aggregate classification (germline): Pathogenic. Pathogenic (1).

Submissions 12 to 25 of 40:

Color Diagnostics, LLC DBA Color Health
Classification: Pathogenic for Hereditary cancer-predisposing syndrome. Last evaluated: 2025-04-08. Review status: criteria provided, single submitter. Criteria: ACMG Guidelines, 2015. Collection method: clinical testing. Allele origin: germline. Not counted in ClinVar's aggregate classification.
Comment: This variant deletes 4 nucleotides in exon 11 of the BRCA2 gene, creating a frameshift and premature translation stop signal. This variant is expected to result in an absent or non-functional protein product. This variant has been reported in over 10 individuals affected with ovarian cancer (PMID: 11972384, 20406929, 21324516, 22711857, 23165508, 23791828, 23884708, 24728189), and individuals affected with breast cancer (PMID: 20950396, 22798144, 33758026, 33471991; Leiden Open Variation Database DB-ID BRCA2_001792, Color internal data). This variant has been identified in 4/250362 chromosomes in the general population by the Genome Aggregation Database (gnomAD). Loss of BRCA2 function is a known mechanism of disease. Based on the available evidence, this variant is classified as Pathogenic.

Mayo Clinic Laboratories, Mayo Clinic
Classification: Pathogenic. Last evaluated: 2025-02-19. Review status: criteria provided, single submitter. Criteria: ACMG Guidelines, 2015. Collection method: clinical testing. Allele origin: germline. Observed: 2 variant alleles. Not counted in ClinVar's aggregate classification.
Comment: PM5_strong, PVS1

ARUP Laboratories, Molecular Genetics and Genomics, ARUP Laboratories
Classification: Pathogenic. Last evaluated: 2025-01-13. Review status: criteria provided, single submitter. Criteria: ARUP Molecular Germline Variant Investigation Process 2024. Collection method: clinical testing. Allele origin: germline. Not counted in ClinVar's aggregate classification.
Comment: The BRCA2 c.4478_4481del; p.Glu1493ValfsTer10 variant (rs80359454), also known as 4706del for legacy nomenclature, is reported in multiple individuals and families with hereditary breast and ovarian cancer syndrome (Dudley 2018, Kote-Jarai 2011, Le 2022, Tavtigian 1996, Zhang 2011). This variant is also classified as pathogenic by an expert review panel in the ClinVar Database (Variation ID: 51653). It is observed on four alleles in the Genome Aggregation Database, indicating it is not a common polymorphism. This variant causes a frameshift by deleting four nucleotides, so it is predicted to result in a truncated protein or mRNA subject to nonsense-mediated decay. Based on available information, this variant is considered to be pathogenic. References: Dudley B et al. Germline mutation prevalence in individuals with pancreatic cancer and a history of previous malignancy. Cancer. 2018 Apr 15;124(8):1691-1700. PMID: 29360161. Kote-Jarai Z et al. BRCA2 is a moderate penetrance gene contributing to young-onset prostate cancer: implications for genetic testing in prostate cancer patients. Br J Cancer. 2011 Oct 11;105(8):1230-4. PMID: 21952622. Le TN et al. BRCA1/2 Mutations in Vietnamese Patients with Hereditary Breast and Ovarian Cancer Syndrome. Genes (Basel). 2022 Jan 29;13(2):268. PMID: 35205313. Tavtigian SV et al. The complete BRCA2 gene and mutations in chromosome 13q-linked kindreds. Nat Genet. 1996 Mar;12(3):333-7. PMID: 8589730. Zhang S et al. Frequencies of BRCA1 and BRCA2 mutations among 1,342 unselected patients with invasive ovarian cancer. Gynecol Oncol. 2011 May 1;121(2):353-7. PMID: 21324516.

Blueprint Genetics
Classification: Pathogenic for BRCA2-related disorders. Last evaluated: 2024-09-20. Review status: criteria provided, single submitter. Criteria: ACMG Guidelines, 2015. Collection method: clinical testing. Allele origin: germline. Affected: yes. Observed: 1 variant allele. Not counted in ClinVar's aggregate classification.

All of Us Research Program, National Institutes of Health
Classification: Pathogenic for BRCA2-related cancer predisposition. Last evaluated: 2024-08-19. Review status: criteria provided, single submitter. Criteria: ACMG Guidelines, 2015. Collection method: clinical testing. Allele origin: germline. Inheritance: Autosomal dominant inheritance. Observed: 4 variant alleles, 4 heterozygotes. Not counted in ClinVar's aggregate classification.
Comment: This variant deletes 4 nucleotides in exon 11 of the BRCA2 gene, creating a frameshift and premature translation stop signal. This variant is expected to result in an absent or non-functional protein product. This variant has been reported in over 10 individuals affected with ovarian cancer (PMID: 11972384, 20406929, 21324516, 22711857, 23165508, 23791828, 23884708, 24728189), and individuals affected with breast cancer (PMID: 20950396, 22798144, 33758026, 33471991; Leiden Open Variation Database DB-ID BRCA2_001792, Color internal data). This variant has been identified in 4/250362 chromosomes in the general population by the Genome Aggregation Database (gnomAD). Loss of BRCA2 function is a known mechanism of disease. Based on the available evidence, this variant is classified as Pathogenic.

This study involves interpretation of variants in research participants for the purpose of population health screening. Participant phenotype was not available at the time of variant classification. Additional details can be found in publication PMID: 35346344, PMCID: PMC8962531

Institute of Human Genetics, University of Leipzig Medical Center
Classification: Pathogenic for Breast-ovarian cancer, familial, susceptibility to, 1. Last evaluated: 2024-07-31. Review status: criteria provided, single submitter. Criteria: ACMG Guidelines, 2015. Collection method: clinical testing. Allele origin: unknown. Inheritance: Autosomal dominant inheritance. Affected: yes. Not counted in ClinVar's aggregate classification.
Comment: Criteria applied: PVS1,PM5_STR,PM2_SUP

Molecular Pathology, Peter Maccallum Cancer Centre
Classification: Pathogenic for Breast-ovarian cancer, familial, susceptibility to, 2. Last evaluated: 2024-05-28. Review status: criteria provided, single submitter. Criteria: ACMG Guidelines, 2015. Collection method: clinical testing. Allele origin: germline. Inheritance: Autosomal dominant inheritance. Not counted in ClinVar's aggregate classification.

Institute for Genomic Medicine (IGM) Clinical Laboratory, Nationwide Children's Hospital
Classification: Pathogenic for Hereditary cancer-predisposing syndrome. Last evaluated: 2023-11-28. Review status: criteria provided, single submitter. Criteria: ACMG Guidelines, 2015. Collection method: clinical testing. Allele origin: germline. Not counted in ClinVar's aggregate classification.
Comment: This variant is predicted to result in loss of function through nonsense-mediated decay of the encoded transcript or premature truncation of the encoded protein in a gene in which loss of function is a known mechanism of disease (ACMG/AMP: PVS1; PMIDs:29907814, 30078507, 30606148, 31331294). This variant has been reported at an elevated frequency in affected individuals/in multiple affected individuals in the literature (ACMG/AMP: PS4; PMIDs:8589730, 11179017, 15131399, 20927582, 21324516, 21952622, 22798144). This variant is absent from or present at an exceedingly low frequency in gnomAD, a large-scale control population database (ACMG/AMP: PM2).

Genetic Services Laboratory, University of Chicago
Classification: Pathogenic. Last evaluated: 2023-06-16. Review status: criteria provided, single submitter. Criteria: ACMG Guidelines, 2015. Collection method: clinical testing. Allele origin: germline. Affected: yes. Not counted in ClinVar's aggregate classification.
Comment: DNA sequence analysis of the BRCA2 gene demonstrated a four base pair deletion in exon 11, c.4478_4481del. This sequence change results in an amino acid frameshift and creates a premature stop codon 9 amino acids downstream of the change, p.Glu1493Valfs*10. This sequence change is predicted to result in an abnormal transcript, which may be degraded, or may lead to the production of a truncated BRCA2 protein with potentially abnormal function. The c.4478_4481del sequence change has been described in the gnomAD database with an overall frequency of 0.0016% (dbSNP rs1380446764). This sequence change has previously been described in several individuals and families with breast, ovarian and/or prostate cancer (PMID: 8589730, 11179017, 15131399, 20927582, 21324516, 21952622, 22798144). This variant has been classified as pathogenic by the expert panel in ClinVar. These collective evidences indicate that this sequence change is pathogenic.

CHEO Genetics Diagnostic Laboratory, Children's Hospital of Eastern Ontario
Classification: Pathogenic for Breast and/or ovarian cancer. Last evaluated: 2023-06-01. Review status: criteria provided, single submitter. Criteria: ACMG Guidelines, 2015. Collection method: clinical testing. Allele origin: germline. Not counted in ClinVar's aggregate classification.

CeGaT Center for Human Genetics Tuebingen
Classification: Pathogenic. Last evaluated: 2023-04-01. Review status: criteria provided, single submitter. Criteria: CeGaT Center For Human Genetics Tuebingen Variant Classification Criteria Version 2. Collection method: clinical testing. Allele origin: germline. Affected: yes. Observed: 1 variant allele. Not counted in ClinVar's aggregate classification.
Comment: BRCA2: PVS1, PM2

Revvity Omics, Revvity
Classification: Pathogenic. Last evaluated: 2022-11-02. Review status: criteria provided, single submitter. Criteria: ACMG Guidelines, 2015. Collection method: clinical testing. Allele origin: germline. Not counted in ClinVar's aggregate classification.

Baylor Genetics
Classification: Pathogenic for Familial cancer of breast. Last evaluated: 2021-06-13. Review status: criteria provided, single submitter. Criteria: ACMG Guidelines, 2015. Collection method: clinical testing. Allele origin: unknown. Not counted in ClinVar's aggregate classification.

GeneDx
Classification: Pathogenic. Last evaluated: 2021-01-28. Review status: criteria provided, single submitter. Criteria: GeneDx Variant Classification Process June 2021. Collection method: clinical testing. Allele origin: germline. Affected: yes. Not counted in ClinVar's aggregate classification.
Comment: Frameshift variant predicted to result in protein truncation or nonsense mediated decay in a gene for which loss-of-function is a known mechanism of disease; Observed in individuals with hereditary breast and ovarian cancer (Tavtigian 1996, Meindl 2002, Zhang 2011, Kim 2012, Dudley 2018); Truncating variants in this gene are considered pathogenic by a well-established clinical consortium and/or database; Not observed at a significant frequency in large population cohorts (Lek 2016); This variant is associated with the following publications: (PMID: 27488020, 27836010, 26681312, 29360161, 30720243, 28176296, 8589730, 11802209, 21324516, 22798144, 21952622, 26187060, 23569316, 10359546, 17148771, 9667259, 20927582, 16162645, 27225637, 29371908, 29478780, 29915322, 27153395, 11179017, 15131399, 30702160, 30322717, 32885271, 32338768)